The following is an entry in ClinVar:

ClinVar aggregate classification (germline): Uncertain significance. Review status: criteria provided, multiple submitters, no conflicts (2 of 4 stars). 3 submissions from 3 submitters: Uncertain significance (3). Last evaluated 2025-12-08.

Conditions:
Hereditary cancer-predisposing syndrome. Also called: Neoplastic Syndromes, Hereditary; Tumor predisposition; Hereditary Cancer Syndrome; Hereditary neoplastic syndrome. Identifiers: Orphanet 140162, MedGen C0027672, MeSH D009386, MONDO:0015356.
Gastrointestinal stromal tumor. Also called: Gastrointestinal stromal tumor, somatic; Gastrointestinal stroma tumor. Identifiers: Orphanet 44890, MedGen C0238198, MeSH D046152, MONDO:0011719, OMIM 606764, HP:0100723.

Submissions (3):

Labcorp Genetics (formerly Invitae), Labcorp
Classification: Uncertain significance for Gastrointestinal stromal tumor. Last evaluated: 2025-12-08. Review status: criteria provided, single submitter. Criteria: Invitae Variant Classification Sherloc (09022015). Collection method: clinical testing. Allele origin: germline.
Comment: This sequence change replaces valine, which is neutral and non-polar, with isoleucine, which is neutral and non-polar, at codon 875 of the KIT protein (p.Val875Ile). This variant is not present in population databases (gnomAD no frequency). This variant has not been reported in the literature in individuals affected with KIT-related conditions. ClinVar contains an entry for this variant (Variation ID: 3241791). An algorithm developed to predict the effect of missense changes on protein structure and function (PolyPhen-2) suggests that this variant is likely to be disruptive. In summary, the available evidence is currently insufficient to determine the role of this variant in disease. Therefore, it has been classified as a Variant of Uncertain Significance.

Ambry Genetics
Classification: Uncertain significance for Hereditary cancer-predisposing syndrome. Last evaluated: 2024-11-01. Review status: criteria provided, single submitter. Criteria: Ambry Variant Classification Scheme 2023. Collection method: clinical testing. Allele origin: germline.
Comment: The p.V875I variant (also known as c.2623G>A), located in coding exon 19 of the KIT gene, results from a G to A substitution at nucleotide position 2623. The valine at codon 875 is replaced by isoleucine, an amino acid with highly similar properties. This amino acid position is conserved. In addition, the in silico prediction for this alteration is inconclusive. Based on the available evidence, the clinical significance of this variant remains unclear.

Baylor Genetics
Classification: Uncertain significance for Gastrointestinal stromal tumor. Last evaluated: 2024-03-01. Review status: criteria provided, single submitter. Criteria: ACMG Guidelines, 2015. Collection method: clinical testing. Allele origin: unknown.

NM_000222.3(KIT):c.2623G>A (p.Val875Ile)

Gene: KIT (KIT proto-oncogene, receptor tyrosine kinase; plus strand). Cytogenetic location: 4q12.
Variant type: single nucleotide variant.
Coding change: c.2623G>A on transcript NM_000222.3 (MANE Select); coding-DNA position 2623, G replaced by A.
Protein change: p.Val875Ile; replaces valine 875 with isoleucine.
Molecular consequence: missense variant.
Genome position (GRCh38, 1-based): chr4:54,736,747, G>A. VCF-style: chr4-54736747-G-A. GRCh37 (hg19) VCF-style: chr4-55602913-G-A.
Other names: c.2611G>A, p.Val871Ile (NM_001385292.1, NM_001093772.2); c.2626G>A, p.Val876Ile (NM_001385284.1); c.2620G>A, p.Val874Ile (NM_001385285.1); c.2608G>A, p.Val870Ile (NM_001385286.1); c.2614G>A, p.Val872Ile (NM_001385288.1); c.2623G>A, p.Val875Ile (NM_001385290.1); short protein forms V870I, V871I, V872I, V874I, V875I, V876I.
Identifiers: ClinVar variation 3241791 (VCV003241791.3), dbSNP rs1368227395.